The following is an entry in ClinVar:

ClinVar aggregate classification (germline): Pathogenic (1 of 4 stars; one submission).

Submission:

Labcorp Genetics (formerly Invitae), Labcorp
Classification: Pathogenic. Last evaluated: 2022-12-02. Review status: criteria provided, single submitter. Criteria: Invitae Variant Classification Sherloc (09022015). Collection method: clinical testing. Allele origin: germline.
Comment: For these reasons, this variant has been classified as Pathogenic. Variants that disrupt the consensus splice site are a relatively common cause of aberrant splicing (PMID: 17576681, 9536098). Algorithms developed to predict the effect of sequence changes on RNA splicing suggest that this variant may disrupt the consensus splice site. This variant has been observed in individual(s) with clinical features of Saethre-Chotzen syndrome (Invitae). In at least one individual the variant was observed to be de novo. This variant is not present in population databases (gnomAD no frequency). This sequence change falls in intron 8 of the TCF12 gene. It does not directly change the encoded amino acid sequence of the TCF12 protein. It affects a nucleotide within the consensus splice site.

Literature cited by the submitters: PubMed 17576681; PubMed 9536098.

NM_207037.2(TCF12):c.579+5G>T

Gene: TCF12 (transcription factor 12; plus strand). Cytogenetic location: 15q21.3.
Variant type: single nucleotide variant.
Coding change: c.579+5G>T on transcript NM_207037.2 (MANE Select); 5 bases into the intron after coding-DNA position 579, G replaced by T.
Molecular consequence: intron variant.
Genome position (GRCh38, 1-based): chr15:57,197,830, G>T. VCF-style: chr15-57197830-G-T. GRCh37 (hg19) VCF-style: chr15-57490028-G-T.
Other names: c.579+5G>T (NM_001322151.2, NM_001322159.3, NM_001322157.3 and 7 more transcripts); c.405+5G>T (NM_001322156.2, NM_001322158.2); c.-79+5G>T (NM_001322154.2); c.615+5G>T (NM_001322164.2).
Identifiers: ClinVar variation 2809904 (VCV002809904.3), dbSNP rs768463051, ClinGen allele CA2739269496.
Genomic context (GRCh38, chr15:57,197,830, plus strand): 5'-CAGATCCCTTGCAAGCAAAAAAAGTCAGAAAGGTGCCTCCTGGTTTGCCTTCTTCTGTAA[G>T]TACCTATCTTTTTTTAACTTGATGGTAAACAAACTGATTTCAAGTGTTCCGTATTACCTT-3'